The following is an entry in ClinVar:

NM_002180.3(IGHMBP2):c.2230T>A (p.Leu744Met)

Gene: IGHMBP2 (immunoglobulin mu DNA binding protein 2; plus strand). Cytogenetic location: 11q13.3.
Variant type: single nucleotide variant.
Coding change: c.2230T>A on transcript NM_002180.3 (MANE Select); coding-DNA position 2230, T replaced by A.
Protein change: p.Leu744Met; replaces leucine 744 with methionine.
Molecular consequence: missense variant.
Genome position (GRCh38, 1-based): chr11:68,936,710, T>A. VCF-style: chr11-68936710-T-A. GRCh37 (hg19) VCF-style: chr11-68704178-T-A.
Other names: short protein forms L744M.
Identifiers: ClinVar variation 1328693 (VCV001328693.2), dbSNP rs2154008875, ClinGen allele CA381653088.
Genomic context (GRCh38, chr11:68,936,710, plus strand): 5'-GATGGCGTGGACCACTTCCGGGCCATGATAGTGGAGTTCATGGCCAGCAAGAAGATGCAG[T>A]TGGAGTTTCCTCCTTCCCTCAATTCCCACGACAGGCTGCGGGTCCACCAAATAGCCGAGG-3'
Protein context (NP_002171.2, residues 734-754): VEFMASKKMQ[Leu744Met]EFPPSLNSHD

ClinVar aggregate classification (germline): Uncertain significance (1 of 4 stars; one submission).

Submission:

GeneDx
Classification: Uncertain significance. Last evaluated: 2021-06-15. Review status: criteria provided, single submitter. Criteria: GeneDx Variant Classification Process June 2021. Collection method: clinical testing. Allele origin: germline. Affected: yes.
Comment: Not observed at significant frequency in large population cohorts (Lek et al., 2016); In silico analysis supports that this missense variant does not alter protein structure/function; Has not been previously published as pathogenic or benign to our knowledge; This variant is associated with the following publications: (PMID: 27535533)